The following is an entry in ClinVar:

NM_003737.4(DCHS1):c.6991G>A (p.Val2331Ile)

Gene: DCHS1 (dachsous cadherin-related 1; minus strand). Cytogenetic location: 11p15.4.
Variant type: single nucleotide variant.
Coding change: c.6991G>A on transcript NM_003737.4 (MANE Select); coding-DNA position 6991, G replaced by A.
Protein change: p.Val2331Ile; replaces valine 2331 with isoleucine.
Molecular consequence: missense variant.
Genome position (GRCh38, 1-based): chr11:6,625,353, C>T on the plus strand (G>A on the coding strand, the complement: DCHS1 is on the minus strand). VCF-style: chr11-6625353-C-T. GRCh37 (hg19) VCF-style: chr11-6646584-C-T.
Other names: short protein forms V2331I.
Identifiers: ClinVar variation 1206363 (VCV001206363.17), dbSNP rs7924553, ClinGen allele CA5859718.

ClinVar aggregate classification (germline): Benign. Review status: criteria provided, multiple submitters, no conflicts (2 of 4 stars). 7 submissions from 7 submitters: Benign (3). 4 of the submissions do not count toward it. Last evaluated 2026-02-04.

Conditions:
DCHS1-related disorder. Also called: DCHS1-related condition.

Allele frequency attached by ClinVar (database versions not stated): gnomAD exomes 0.01427 and 0.01996; ExAC 0.02289; gnomAD 0.03721 and 0.03864; ESP Exome Variant Server 0.04071; TOPMed 0.04163; 1000 Genomes Project 0.04832; 1000 Genomes Project 30x 0.05012.
gnomAD v4.1: 26,753 of 1,613,656 alleles (1.7%); highest among the groups gnomAD compares: African/African-American, 10%; 630 homozygotes.

Submissions (7):

Labcorp Genetics (formerly Invitae), Labcorp
Classification: Benign. Last evaluated: 2026-02-04. Review status: criteria provided, single submitter. Criteria: Invitae Variant Classification Sherloc (09022015). Collection method: clinical testing. Allele origin: germline.

GeneDx
Classification: Benign. Last evaluated: 2018-07-15. Review status: criteria provided, single submitter. Criteria: GeneDx Variant Classification Process June 2021. Collection method: clinical testing. Allele origin: germline. Affected: yes.

Breakthrough Genomics
Classification: Benign. Review status: criteria provided, single submitter. Criteria: ACMG Guidelines, 2015. Collection method: not provided. Allele origin: germline. Inheritance: Autosomal recessive inheritance. Affected: yes.

PreventionGenetics, part of Exact Sciences
Classification: Benign for DCHS1-related condition. Last evaluated: 2019-05-31. Review status: no assertion criteria provided. Collection method: clinical testing. Allele origin: germline. Not counted in ClinVar's aggregate classification.
Comment: This variant is classified as benign based on ACMG/AMP sequence variant interpretation guidelines (Richards et al. 2015 PMID: 25741868, with internal and published modifications).

Clinical Genetics DNA and cytogenetics Diagnostics Lab, Erasmus MC, Erasmus Medical Center
Classification: Benign. Review status: no assertion criteria provided. Collection method: clinical testing. Allele origin: germline. Affected: yes. Study: VKGL Data-share Consensus. Not counted in ClinVar's aggregate classification.

Clinical Genetics, Academic Medical Center
Classification: Benign. Review status: no assertion criteria provided. Collection method: clinical testing. Allele origin: germline. Affected: yes. Study: VKGL Data-share Consensus. Not counted in ClinVar's aggregate classification.

Laboratory of Diagnostic Genome Analysis, Leiden University Medical Center (LUMC)
Classification: Likely benign. Review status: no assertion criteria provided. Collection method: clinical testing. Allele origin: germline. Affected: yes. Study: VKGL Data-share Consensus. Not counted in ClinVar's aggregate classification.